The following is an entry in ClinVar:

NM_020778.5(ALPK3):c.3272G>T (p.Gly1091Val)

Gene: ALPK3 (alpha kinase 3; plus strand). Cytogenetic location: 15q25.3.
Variant type: single nucleotide variant.
Coding change: c.3272G>T on transcript NM_020778.5 (MANE Select); coding-DNA position 3272, G replaced by T.
Protein change: p.Gly1091Val; replaces glycine 1091 with valine.
Molecular consequence: missense variant.
Genome position (GRCh38, 1-based): chr15:84,858,010, G>T. VCF-style: chr15-84858010-G-T. GRCh37 (hg19) VCF-style: chr15-85401241-G-T.
Other names: c.3878G>T (NM_020778.4); short protein forms G1091V.
Identifiers: ClinVar variation 3383790 (VCV003383790.3).

ClinVar aggregate classification (germline): Uncertain significance. Review status: criteria provided, multiple submitters, no conflicts (2 of 4 stars). 2 submissions from 2 submitters: Uncertain significance (2). Last evaluated 2026-08-24.

Conditions:
Cardiovascular phenotype. Identifiers: MedGen CN230736.

gnomAD v4.1: 7 of 1,590,862 alleles (0.00044%); highest among the groups gnomAD compares: East Asian, 0.013%; no homozygotes.

Submissions (2):

Ambry Genetics
Classification: Uncertain significance for Cardiovascular phenotype. Last evaluated: 2026-08-24. Review status: criteria provided, single submitter. Criteria: Ambry Variant Classification Scheme 2023. Collection method: clinical testing. Allele origin: germline.
Comment: The p.G1293V variant (also known as c.3878G>T), located in coding exon 6 of the ALPK3 gene, results from a G to T substitution at nucleotide position 3878. The glycine at codon 1293 is replaced by valine, an amino acid with dissimilar properties. This amino acid position is well conserved in available vertebrate species. In addition, the in silico prediction for this alteration is inconclusive. Based on the available evidence, the clinical significance of this variant remains unclear.

GeneDx
Classification: Uncertain significance. Last evaluated: 2024-05-29. Review status: criteria provided, single submitter. Criteria: GeneDx Variant Classification Process June 2021. Collection method: clinical testing. Allele origin: germline. Affected: yes.
Comment: Not observed at significant frequency in large population cohorts (gnomAD); In silico analysis supports that this missense variant has a deleterious effect on protein structure/function; Has not been previously published as pathogenic or benign to our knowledge